The following is an entry in ClinVar:

ClinVar aggregate classification (germline): Uncertain significance. Review status: criteria provided, multiple submitters, no conflicts (2 of 4 stars). 2 submissions from 2 submitters: Uncertain significance (2). Last evaluated 2022-10-03.

Conditions:
Hereditary cancer-predisposing syndrome. Also called: Hereditary Cancer Syndrome; Hereditary neoplastic syndrome; Neoplastic Syndromes, Hereditary; Tumor predisposition. Identifiers: Orphanet 140162, MedGen C0027672, MeSH D009386, MONDO:0015356.
Familial cancer of breast. Also called: BREAST CANCER, FAMILIAL; Hereditary breast cancer; hereditary breast carcinoma. Identifiers: Orphanet 227535, MedGen C0346153, MONDO:0016419, OMIM 114480. Disease mechanism: loss of function.
Fanconi anemia complementation group J. Also called: BRIP1-Related Fanconi Anemia. Identifiers: Orphanet 84, MedGen C1836860, MONDO:0012187, OMIM 609054.

Submissions (2):

Labcorp Genetics (formerly Invitae), Labcorp
Classification: Uncertain significance for Familial cancer of breast; Fanconi anemia complementation group J. Last evaluated: 2022-10-03. Review status: criteria provided, single submitter. Criteria: Invitae Variant Classification Sherloc (09022015). Collection method: clinical testing. Allele origin: germline.
Comment: Advanced modeling of protein sequence and biophysical properties (such as structural, functional, and spatial information, amino acid conservation, physicochemical variation, residue mobility, and thermodynamic stability) performed at Invitae indicates that this missense variant is not expected to disrupt BRIP1 protein function. This variant has not been reported in the literature in individuals affected with BRIP1-related conditions. This variant is not present in population databases (gnomAD no frequency). This sequence change replaces serine, which is neutral and polar, with threonine, which is neutral and polar, at codon 930 of the BRIP1 protein (p.Ser930Thr). In summary, the available evidence is currently insufficient to determine the role of this variant in disease. Therefore, it has been classified as a Variant of Uncertain Significance.

Ambry Genetics
Classification: Uncertain significance for Hereditary cancer-predisposing syndrome. Last evaluated: 2020-02-19. Review status: criteria provided, single submitter. Criteria: Ambry Variant Classification Scheme 2023. Collection method: clinical testing. Allele origin: germline.
Comment: The p.S930T variant (also known as c.2788T>A), located in coding exon 18 of the BRIP1 gene, results from a T to A substitution at nucleotide position 2788. The serine at codon 930 is replaced by threonine, an amino acid with similar properties. This amino acid position is well conserved in available vertebrate species. In addition, this alteration is predicted to be tolerated by in silico analysis. Since supporting evidence is limited at this time, the clinical significance of this alteration remains unclear.

NM_032043.3(BRIP1):c.2788T>A (p.Ser930Thr)

Gene: BRIP1 (BRCA1 interacting DNA helicase 1; minus strand). Cytogenetic location: 17q23.2.
Variant type: single nucleotide variant.
Coding change: c.2788T>A on transcript NM_032043.3 (MANE Select); coding-DNA position 2788, T replaced by A.
Protein change: p.Ser930Thr; replaces serine 930 with threonine.
Molecular consequence: missense variant.
Genome position (GRCh38, 1-based): chr17:61,685,953, A>T on the plus strand (T>A on the coding strand, the complement: BRIP1 is on the minus strand). VCF-style: chr17-61685953-A-T. GRCh37 (hg19) VCF-style: chr17-59763314-A-T.
Other names: short protein forms S930T.
Identifiers: ClinVar variation 1720913 (VCV001720913.8), dbSNP rs1384396768, ClinGen allele CA400481532.